The following is an entry in ClinVar:

ClinVar aggregate classification (germline): Uncertain significance (1 of 4 stars; one submission).

Conditions:
Familial encephalopathy with neuroserpin inclusion bodies. Also called: ENCEPHALOPATHY, FAMILIAL, WITH COLLINS BODIES. Identifiers: Orphanet 85110, MedGen C1858680, MONDO:0011412, OMIM 604218.

Submission:

Labcorp Genetics (formerly Invitae), Labcorp
Classification: Uncertain significance for Familial encephalopathy with neuroserpin inclusion bodies. Last evaluated: 2025-11-23. Review status: criteria provided, single submitter. Criteria: Invitae Variant Classification Sherloc (09022015). Collection method: clinical testing. Allele origin: germline.
Comment: This variant, c.711_713dup, results in the insertion of 1 amino acid(s) of the SERPINI1 protein (p.Ile238dup), but otherwise preserves the integrity of the reading frame. This variant is not present in population databases (gnomAD no frequency). This variant has not been reported in the literature in individuals affected with SERPINI1-related conditions. In summary, the available evidence is currently insufficient to determine the role of this variant in disease. Therefore, it has been classified as a Variant of Uncertain Significance.

NM_001122752.2(SERPINI1):c.711_713dup (p.Ile238_Tyr239insIle)

Gene: SERPINI1 (serpin family I member 1; plus strand). Cytogenetic location: 3q26.1.
Variant type: Duplication.
Coding change: c.711_713dup on transcript NM_001122752.2 (MANE Select); coding-DNA positions 711 to 713, 3 bases duplicated (TAT; older notation c.711_713dupTAT).
Protein change: p.Ile238_Tyr239insIle.
Genome position (GRCh38, 1-based): chr3:167,794,654-167,794,656, TAT duplicated. VCF-style (leftmost placement, unchanged base first): chr3-167794653-G-GTAT. GRCh37 (hg19) VCF-style: chr3-167512441-G-GTAT.
Other names: c.711_713dup, p.Ile238_Tyr239insIle (NM_005025.5).
Identifiers: ClinVar variation 4771963 (VCV004771963.1).